The following is an entry in ClinVar:

ClinVar aggregate classification (germline): Uncertain significance. Review status: criteria provided, multiple submitters, no conflicts (2 of 4 stars). 3 submissions from 3 submitters: Uncertain significance (3). Last evaluated 2026-01-08.

Conditions:
Neuroblastoma, susceptibility to, 3. Also called: ALK-Related Neuroblastic Tumor Susceptibility. Identifiers: Orphanet 635, MedGen C2751681, MONDO:0013083, OMIM 613014.
Hereditary cancer-predisposing syndrome. Also called: Hereditary neoplastic syndrome; Tumor predisposition; Neoplastic Syndromes, Hereditary; Hereditary Cancer Syndrome. Identifiers: Orphanet 140162, MedGen C0027672, MeSH D009386, MONDO:0015356.

Allele frequency attached by ClinVar (database versions not stated): TOPMed below 0.00001; gnomAD 0.00001; ExAC 0.00002; ESP Exome Variant Server 0.00008; gnomAD exomes below 0.00001.
gnomAD v4.1: 4 of 1,612,072 alleles (0.00025%); highest among the groups gnomAD compares: South Asian, 0.0011%; no homozygotes.

Submissions (3):

Labcorp Genetics (formerly Invitae), Labcorp
Classification: Uncertain significance for Neuroblastoma, susceptibility to, 3. Last evaluated: 2026-01-08. Review status: criteria provided, single submitter. Criteria: Invitae Variant Classification Sherloc (09022015). Collection method: clinical testing. Allele origin: germline.
Comment: This sequence change replaces leucine, which is neutral and non-polar, with phenylalanine, which is neutral and non-polar, at codon 1033 of the ALK protein (p.Leu1033Phe). This variant is present in population databases (rs139365887, gnomAD 0.002%). This variant has not been reported in the literature in individuals affected with ALK-related conditions. ClinVar contains an entry for this variant (Variation ID: 955714). An algorithm developed to predict the effect of missense changes on protein structure and function (PolyPhen-2) suggests that this variant is likely to be tolerated. In summary, the available evidence is currently insufficient to determine the role of this variant in disease. Therefore, it has been classified as a Variant of Uncertain Significance.

Ambry Genetics
Classification: Uncertain significance for Hereditary cancer-predisposing syndrome. Last evaluated: 2024-07-15. Review status: criteria provided, single submitter. Criteria: Ambry Variant Classification Scheme 2023. Collection method: clinical testing. Allele origin: germline.
Comment: The p.L1033F variant (also known as c.3097C>T), located in coding exon 19 of the ALK gene, results from a C to T substitution at nucleotide position 3097. The leucine at codon 1033 is replaced by phenylalanine, an amino acid with highly similar properties. This amino acid position is conserved. In addition, this alteration is predicted to be tolerated by in silico analysis. Since supporting evidence is limited at this time, the clinical significance of this alteration remains unclear.

Baylor Genetics
Classification: Uncertain significance for Neuroblastoma, susceptibility to, 3. Last evaluated: 2023-09-30. Review status: criteria provided, single submitter. Criteria: ACMG Guidelines, 2015. Collection method: clinical testing. Allele origin: unknown.

NM_004304.5(ALK):c.3097C>T (p.Leu1033Phe)

Gene: ALK (ALK receptor tyrosine kinase; minus strand). Cytogenetic location: 2p23.2.
Variant type: single nucleotide variant.
Coding change: c.3097C>T on transcript NM_004304.5 (MANE Select); coding-DNA position 3097, C replaced by T.
Protein change: p.Leu1033Phe; replaces leucine 1033 with phenylalanine.
Molecular consequence: missense variant.
Genome position (GRCh38, 1-based): chr2:29,225,536, G>A on the plus strand (C>T on the coding strand, the complement: ALK is on the minus strand). VCF-style: chr2-29225536-G-A. GRCh37 (hg19) VCF-style: chr2-29448402-G-A.
Other names: short protein forms L1033F.
Identifiers: ClinVar variation 955714 (VCV000955714.14), dbSNP rs139365887, ClinGen allele CA1594076.